The following continues an entry in ClinVar:

NM_001142800.2(EYS):c.2528G>A (p.Gly843Glu)

Gene: EYS. ClinVar aggregate classification (germline): Pathogenic. Pathogenic (13).

Submissions 10 to 15 of 15:

3billion
Classification: Pathogenic for Retinitis pigmentosa 25. Last evaluated: 2024-07-23. Review status: criteria provided, single submitter. Criteria: ACMG Guidelines, 2015. Collection method: clinical testing. Allele origin: germline. Affected: yes.
Comment: The variant is observed at an extremely low frequency in the gnomAD v4.0.0 dataset (total allele frequency: 0.025%). Predicted Consequence/Location: The majority of the known disease-causing variants of this gene are variants expected to result in premature termination of the protein. In silico tool predictions suggest damaging effect of the variant on gene or gene product [REVEL: 0.73 (>=0.6, sensitivity 0.68 and specificity 0.92)]. The same nucleotide change resulting in the same amino acid change has been previously reported as pathogenic/likely pathogenic with strong evidence (ClinVar ID: VCV000636026 /PMID: 29785639 /3billion dataset). The variant has been reported to be in trans with a pathogenic variant as either compound heterozygous or homozygous in at least 2 similarly affected unrelated individuals (PMID: 31814702). A different missense change at the same codon (p.Gly843Arg) has been reported to be associated with EYS related disorder (ClinVar ID: VCV001213994). Therefore, this variant is classified as Pathogenic according to the recommendation of ACMG/AMP guideline.

Baylor Genetics
Classification: Pathogenic for Retinitis pigmentosa 25. Last evaluated: 2024-03-27. Review status: criteria provided, single submitter. Criteria: ACMG Guidelines, 2015. Collection method: clinical testing. Allele origin: unknown.

Fulgent Genetics
Classification: Pathogenic for Retinitis pigmentosa 25. Last evaluated: 2024-02-15. Review status: criteria provided, single submitter. Criteria: ACMG Guidelines, 2015. Collection method: clinical testing. Allele origin: germline.

Dept Of Ophthalmology, Nagoya University
Classification: Pathogenic for Retinal dystrophy. Last evaluated: 2023-10-01. Review status: criteria provided, single submitter. Criteria: Submitter's publication. Collection method: research. Allele origin: germline. Affected: yes.

Ocular Genomics Institute, Massachusetts Eye and Ear
Classification: Uncertain significance for Retinitis pigmentosa 25. Last evaluated: 2021-04-08. Review status: flagged submission. Criteria: ACMG Guidelines, 2015. Collection method: research. Allele origin: germline. Affected: yes. Not counted in ClinVar's aggregate classification.
Comment: Through a review of available evidence we were able to apply the following criteria: PM2, PM3, PP3. Based on this evidence we have classified this variant as Variant of Uncertain Significance.
ClinVar note: Reason: Claim with insufficient supporting evidence

Department of Clinical Genetics, Copenhagen University Hospital, Rigshospitalet
Classification: Uncertain significance for Retinitis pigmentosa. Last evaluated: 2018-04-01. Review status: flagged submission. Collection method: research. Allele origin: unknown. Affected: yes. Study: VeluxRD. Not counted in ClinVar's aggregate classification.
ClinVar note: Reason: Older claim that does not account for recent evidence

Literature cited by the submitters: 29785639 (cited by Ophthalmology, Kobe City Eye Hospital); PubMed 22302105 (cited by Labcorp Genetics (formerly Invitae), Labcorp and Ocular Genomics Institute, Massachusetts Eye and Ear); PubMed 22363543 (cited by Labcorp Genetics (formerly Invitae), Labcorp and Ocular Genomics Institute, Massachusetts Eye and Ear); PubMed 29785639 (cited by Labcorp Genetics (formerly Invitae), Labcorp and 3billion); PubMed 31814702 (cited by Labcorp Genetics (formerly Invitae), Labcorp and 3billion); PubMed 33247286 (cited by Natera, Inc.); PubMed 33514863 (cited by Women's Health and Genetics/Laboratory Corporation of America, LabCorp); PubMed 32218477 (cited by Women's Health and Genetics/Laboratory Corporation of America, LabCorp); PubMed 30718709 (cited by Ocular Genomics Institute, Massachusetts Eye and Ear and Department of Clinical Genetics, Copenhagen University Hospital, Rigshospitalet).